The following is an entry in ClinVar:

ClinVar aggregate classification (germline): Conflicting classifications of pathogenicity. Review status: criteria provided, conflicting classifications (1 of 4 stars). 4 submissions from 4 submitters: Likely pathogenic (1); Uncertain significance (3). Last evaluated 2026-01-31.

Conditions:
Cardiovascular phenotype. Identifiers: MedGen CN230736.
Hypertrophic cardiomyopathy. Also called: HYPERTROPHIC MYOCARDIOPATHY. Identifiers: Orphanet 217569, MedGen C0007194, MeSH D002312, MONDO:0005045, HP:0001639.

Allele frequency attached by ClinVar (database versions not stated): gnomAD exomes below 0.00001.
gnomAD v4.1: 1 of 1,613,486 alleles (0.000062%); highest among the groups gnomAD compares: Non-Finnish European, 0.000085%; no homozygotes.

Submissions (4):

Labcorp Genetics (formerly Invitae), Labcorp
Classification: Uncertain significance for Hypertrophic cardiomyopathy. Last evaluated: 2026-01-31. Review status: criteria provided, single submitter. Criteria: Invitae Variant Classification Sherloc (09022015). Collection method: clinical testing. Allele origin: germline.
Comment: This sequence change replaces proline, which is neutral and non-polar, with leucine, which is neutral and non-polar, at codon 645 of the MYBPC3 protein (p.Pro645Leu). This variant is not present in population databases (gnomAD no frequency). This missense change has been observed in individual(s) with hypertrophic cardiomyopathy (PMID: 27532257, 37652022; internal data). ClinVar contains an entry for this variant (Variation ID: 42586). An algorithm developed to predict the effect of missense changes on protein structure and function (PolyPhen-2) suggests that this variant is likely to be disruptive. In summary, the available evidence is currently insufficient to determine the role of this variant in disease. Therefore, it has been classified as a Variant of Uncertain Significance.

Molecular Diagnostic Laboratory for Inherited Cardiovascular Disease, Montreal Heart Institute
Classification: Uncertain significance for Cardiovascular phenotype. Last evaluated: 2025-04-08. Review status: criteria provided, single submitter. Criteria: ACMG Guidelines, 2015. Collection method: clinical testing. Allele origin: germline. Affected: yes.
Comment: PS4_mod, PM2

Laboratory for Molecular Medicine, Mass General Brigham Personalized Medicine
Classification: Uncertain significance. Last evaluated: 2018-01-05. Review status: criteria provided, single submitter. Criteria: LMM Criteria. Collection method: clinical testing. Allele origin: germline. Observed: 2 variant alleles.
Comment: The p.Pro645Leu variant in MYBPC3 has been identified by our laboratory in 2 ind ividuals with HCM, one of whom also carried a likely pathogenic variant in MYBPC 3. It was absent from large population studies. This variant has been reported i n ClinVar (Variation ID: 42586). Computational prediction tools and conservation analysis suggest that the p.Pro645Leu variant may impact the protein, though th is information is not predictive enough to determine pathogenicity. In summary, the clinical significance of the p.Pro645Leu variant is uncertain.

GeneDx
Classification: Likely pathogenic. Last evaluated: 2014-05-12. Review status: criteria provided, single submitter. Criteria: GeneDx Variant Classification (06012015). Collection method: clinical testing. Allele origin: germline. Affected: yes.
Comment: p.Pro645Leu (CCC>CTC): c.1934 C>T in exon 21 of the MYBPC3 gene (NM_000256.3) The P645L variant that is likely pathogenic was identified in the MYBPC3 gene. It has not been published as a mutation or reported as a benign polymorphism to our knowledge. The P645L variant was not observed in approximately 6,000 individuals of European and African American ancestry in the NHLBI Exome Sequencing Project, indicating it is not a common benign variant in these populations. The P645L variant is a semi-conservative amino acid substitution, which may impact secondary protein structure as these residues differ in some properties. This substitution occurs at a position that is conserved across species. In silico analysis predicts this variant is probably damaging to the protein structure/function. Missense mutations in nearby residues (R654C, R654H) have been reported in association with cardiomyopathy, supporting the functional importance of this region of the protein.Therefore, this variant is a strong candidate for a pathogenic mutation, however the possibility that it is a benign variant cannot be excluded. Mutations in the MYBPC3 gene have been reported in 20%-30% of patients with autosomal dominant familial hypertrophic cardiomyopathy, and have been reported less frequently in patients with autosomal dominant familial dilated cardiomyopathy (Cirino A et al., 2011; Hershberger R et al., 2009). The variant is found in HCM panel(s).

Literature cited by the submitters: PubMed 27532257 (cited by Labcorp Genetics (formerly Invitae), Labcorp and Laboratory for Molecular Medicine, Mass General Brigham Personalized Medicine); PubMed 37652022 (cited by Labcorp Genetics (formerly Invitae), Labcorp).

NM_000256.3(MYBPC3):c.1934C>T (p.Pro645Leu)

Gene: MYBPC3 (myosin binding protein C3; minus strand). Cytogenetic location: 11p11.2.
Variant type: single nucleotide variant.
Coding change: c.1934C>T on transcript NM_000256.3 (MANE Select); coding-DNA position 1934, C replaced by T.
Protein change: p.Pro645Leu; replaces proline 645 with leucine.
Molecular consequence: missense variant.
Genome position (GRCh38, 1-based): chr11:47,339,784, G>A on the plus strand (C>T on the coding strand, the complement: MYBPC3 is on the minus strand). VCF-style: chr11-47339784-G-A. GRCh37 (hg19) VCF-style: chr11-47361335-G-A.
Other names: p.P645L:CCC>CTC; short protein forms P645L.
Identifiers: ClinVar variation 42586 (VCV000042586.16), dbSNP rs397515938, ClinGen allele CA011522.